The following is an entry in ClinVar:

NM_014915.3(ANKRD26):c.3740G>A (p.Arg1247His)

Gene: ANKRD26 (ankyrin repeat domain containing 26; minus strand). Cytogenetic location: 10p12.1.
Variant type: single nucleotide variant.
Coding change: c.3740G>A on transcript NM_014915.3 (MANE Select); coding-DNA position 3740, G replaced by A.
Protein change: p.Arg1247His; replaces arginine 1247 with histidine.
Molecular consequence: missense variant.
Genome position (GRCh38, 1-based): chr10:27,033,292, C>T on the plus strand (G>A on the coding strand, the complement: ANKRD26 is on the minus strand). VCF-style: chr10-27033292-C-T. GRCh37 (hg19) VCF-style: chr10-27322221-C-T.
Other names: c.3737G>A, p.Arg1246His (NM_001256053.2); short protein forms R1246H, R1247H.
Identifiers: ClinVar variation 1878737 (VCV001878737.3), dbSNP rs755543607, ClinGen allele CA5447967.
Genomic context (GRCh38, chr10:27,033,292, plus strand): 5'-CTGATTTGACCTAATTTCTTCTTTAAATCCTGTGTCTCATCTTCTAAATTAATACGATAA[C>T]GTGACGTAACCTCCAGTGAAGCCTCTGACATAGATTGTTTTTTTAGGGTATCAGCTAGTT-3'
Protein context (NP_055730.2, residues 1237-1257): MSEASLEVTS[Arg1247His]YRINLEDETQ

ClinVar aggregate classification (germline): Uncertain significance. Review status: criteria provided, multiple submitters, no conflicts (2 of 4 stars). 2 submissions from 2 submitters: Uncertain significance (2). Last evaluated 2025-07-17.

Conditions:
Inborn genetic diseases. Identifiers: MedGen C0950123, MeSH D030342.

Allele frequency attached by ClinVar (database versions not stated): gnomAD exomes below 0.00001; ExAC 0.00001.
gnomAD v4.1: 4 of 1,612,568 alleles (0.00025%); highest among the groups gnomAD compares: Non-Finnish European, 0.00034%; no homozygotes.

Submissions (2):

GeneDx
Classification: Uncertain significance. Last evaluated: 2025-07-17. Review status: criteria provided, single submitter. Criteria: GeneDx Variant Classification Process June 2021. Collection method: clinical testing. Allele origin: germline. Affected: yes.
Comment: Not observed at significant frequency in large population cohorts (gnomAD); In silico analysis suggests that this missense variant does not alter protein structure/function; Has not been previously published as pathogenic or benign to our knowledge

Ambry Genetics
Classification: Uncertain significance for Inborn genetic diseases. Last evaluated: 2025-03-10. Review status: criteria provided, single submitter. Criteria: Ambry Variant Classification Scheme 2023. Collection method: clinical testing. Allele origin: germline.
Comment: The p.R1247H variant (also known as c.3740G>A), located in coding exon 25 of the ANKRD26 gene, results from a G to A substitution at nucleotide position 3740. The arginine at codon 1247 is replaced by histidine, an amino acid with highly similar properties. This amino acid position is conserved. In addition, this alteration is predicted to be tolerated by in silico analysis. Based on the available evidence, the clinical significance of this variant remains unclear.